The following is an entry in ClinVar:

ClinVar aggregate classification (germline): Uncertain significance. Review status: criteria provided, multiple submitters, no conflicts (2 of 4 stars). 3 submissions from 3 submitters: Uncertain significance (3). Last evaluated 2025-09-16.

Conditions:
Inborn genetic diseases. Identifiers: MedGen C0950123, MeSH D030342.
Neuropathy, hereditary sensory and autonomic, type 1C. Also called: HSAN IC; HSN IC. Identifiers: Orphanet 36386, MedGen C3150896, MONDO:0013337, OMIM 613640.

Allele frequency attached by ClinVar (database versions not stated): TOPMed below 0.00001; gnomAD exomes 0.00002 and 0.00004.
gnomAD v4.1: 30 of 1,605,156 alleles (0.0019%); highest among the groups gnomAD compares: East Asian, 0.0046%; no homozygotes.

Submissions (3):

Women's Health and Genetics/Laboratory Corporation of America, LabCorp
Classification: Uncertain significance. Last evaluated: 2025-09-16. Review status: criteria provided, single submitter. Criteria: LabCorp Variant Classification Summary - May 2015. Collection method: clinical testing. Allele origin: germline.
Comment: Variant summary: SPTLC2 c.1176+6C>T alters a non-conserved nucleotide located close to a canonical splice site and therefore could affect mRNA splicing, leading to a significantly altered protein sequence. Consensus agreement among computation tools predict no significant impact on normal splicing. However, these predictions have yet to be confirmed by functional studies. The variant allele was found at a frequency of 4.3e-05 in 234920 control chromosomes. This frequency is not significantly higher than estimated for disease-causing variants in SPTLC2, allowing no conclusion about variant significance. To our knowledge, no occurrence of c.1176+6C>T in individuals affected with SPTLC2-related conditions and no experimental evidence demonstrating its impact on protein function have been reported. ClinVar contains an entry for this variant (Variation ID: 1039639). Based on the evidence outlined above, the variant was classified as uncertain significance.

Labcorp Genetics (formerly Invitae), Labcorp
Classification: Uncertain significance for Neuropathy, hereditary sensory and autonomic, type 1C. Last evaluated: 2024-11-30. Review status: criteria provided, single submitter. Criteria: Invitae Variant Classification Sherloc (09022015). Collection method: clinical testing. Allele origin: germline.
Comment: This sequence change falls in intron 8 of the SPTLC2 gene. It does not directly change the encoded amino acid sequence of the SPTLC2 protein. It affects a nucleotide within the consensus splice site. This variant is present in population databases (rs766616688, gnomAD 0.008%). This variant has not been reported in the literature in individuals affected with SPTLC2-related conditions. ClinVar contains an entry for this variant (Variation ID: 1039639). Variants that disrupt the consensus splice site are a relatively common cause of aberrant splicing (PMID: 17576681, 9536098). Algorithms developed to predict the effect of sequence changes on RNA splicing suggest that this variant is not likely to affect RNA splicing. In summary, the available evidence is currently insufficient to determine the role of this variant in disease. Therefore, it has been classified as a Variant of Uncertain Significance.

Ambry Genetics
Classification: Uncertain significance for Inborn genetic diseases. Last evaluated: 2019-12-30. Review status: criteria provided, single submitter. Criteria: Ambry Variant Classification Scheme 2023. Collection method: clinical testing. Allele origin: germline.
Comment: The c.1176+6C>T intronic variant results from a C to T substitution 6 nucleotides after coding exon 8 in the SPTLC2 gene. This nucleotide position is poorly conserved in available vertebrate species. Using the BDGP and ESEfinder splice site prediction tools, this alteration is not predicted to have any significant effect on this splice acceptor/donor site; however, direct evidence is unavailable. Since supporting evidence is limited at this time, the clinical significance of this alteration remains unclear.

Literature cited by the submitters: PubMed 17576681 (cited by Labcorp Genetics (formerly Invitae), Labcorp); PubMed 9536098 (cited by Labcorp Genetics (formerly Invitae), Labcorp).

NM_004863.4(SPTLC2):c.1176+6C>T

Gene: SPTLC2 (serine palmitoyltransferase long chain base subunit 2; minus strand). Cytogenetic location: 14q24.3.
Variant type: single nucleotide variant.
Coding change: c.1176+6C>T on transcript NM_004863.4 (MANE Select); 6 bases into the intron after coding-DNA position 1176, C replaced by T.
Molecular consequence: intron variant.
Genome position (GRCh38, 1-based): chr14:77,555,294, G>A on the plus strand (C>T on the coding strand, the complement: SPTLC2 is on the minus strand). VCF-style: chr14-77555294-G-A. GRCh37 (hg19) VCF-style: chr14-78021637-G-A.
Identifiers: ClinVar variation 1039639 (VCV001039639.9), dbSNP rs766616688, ClinGen allele CA7289258.